The following is an entry in ClinVar:

NM_001854.4(COL11A1):c.3170G>C (p.Gly1057Ala)

Gene: COL11A1 (collagen type XI alpha 1 chain; minus strand). Cytogenetic location: 1p21.1.
Variant type: single nucleotide variant.
Coding change: c.3170G>C on transcript NM_001854.4 (MANE Select); coding-DNA position 3170, G replaced by C.
Protein change: p.Gly1057Ala; replaces glycine 1057 with alanine.
Molecular consequence: missense variant. On other transcripts: non-coding transcript variant (1).
Genome position (GRCh38, 1-based): chr1:102,946,955, C>G on the plus strand (G>C on the coding strand, the complement: COL11A1 is on the minus strand). VCF-style: chr1-102946955-C-G. GRCh37 (hg19) VCF-style: chr1-103412511-C-G.
Other names: c.3053G>C, p.Gly1018Ala (NM_001190709.2); c.3206G>C, p.Gly1069Ala (NM_080629.3); c.2822G>C, p.Gly941Ala (NM_080630.4); short protein forms G1018A, G1057A, G1069A, G941A.
Identifiers: ClinVar variation 1350922 (VCV001350922.6), dbSNP rs1419574444, ClinGen allele CA341171484.
Genomic context (GRCh38, chr1:102,946,955, plus strand): 5'-GGGCGCCCTGGTAAACCAATTGGGCCAGCTGTACCTGCTGACCCACGTTCTCCTGGTGAG[C>G]CCTAGTATACAGGAAAAGAAGTATTTTGTTATTAAAGAAAGTAATACTGGCTTAAGAATC-3'
Protein context (NP_001845.3, residues 1047-1067): EGPQGPPGPV[Gly1057Ala]SPGERGSAGT

ClinVar aggregate classification (germline): Uncertain significance (1 of 4 stars; one submission).

Allele frequency attached by ClinVar (database versions not stated): TOPMed 0.00001; gnomAD 0.00002.
gnomAD v4.1: 3 of 1,610,098 alleles (0.00019%); highest among the groups gnomAD compares: Non-Finnish European, 0.00025%; no homozygotes.

Submission:

Labcorp Genetics (formerly Invitae), Labcorp
Classification: Uncertain significance. Last evaluated: 2025-03-04. Review status: criteria provided, single submitter. Criteria: Invitae Variant Classification Sherloc (09022015). Collection method: clinical testing. Allele origin: germline.
Comment: This sequence change replaces glycine, which is neutral and non-polar, with alanine, which is neutral and non-polar, at codon 1057 of the COL11A1 protein (p.Gly1057Ala). This variant is present in population databases (no rsID available, gnomAD 0.007%). This variant has not been reported in the literature in individuals affected with COL11A1-related conditions. ClinVar contains an entry for this variant (Variation ID: 1350922). Experimental studies and prediction algorithms are not available or were not evaluated, and the functional significance of this variant is currently unknown. In summary, the available evidence is currently insufficient to determine the role of this variant in disease. Therefore, it has been classified as a Variant of Uncertain Significance.